The following is an entry in ClinVar:

ClinVar aggregate classification (germline): Uncertain significance (1 of 4 stars; one submission).

Conditions:
Cardiovascular phenotype. Identifiers: MedGen CN230736.

Submission:

Ambry Genetics
Classification: Uncertain significance for Cardiovascular phenotype. Last evaluated: 2025-09-07. Review status: criteria provided, single submitter. Criteria: Ambry Variant Classification Scheme 2023. Collection method: clinical testing. Allele origin: germline.
Comment: The p.S524P variant (also known as c.1570T>C), located in coding exon 11 of the CBL gene, results from a T to C substitution at nucleotide position 1570. The serine at codon 524 is replaced by proline, an amino acid with similar properties. This amino acid position is conserved. In addition, this alteration is predicted to be tolerated by in silico analysis. Based on the available evidence, the clinical significance of this variant remains unclear.

NM_005188.4(CBL):c.1570T>C (p.Ser524Pro)

Gene: CBL (Cbl proto-oncogene; plus strand). Cytogenetic location: 11q23.3.
Variant type: single nucleotide variant.
Coding change: c.1570T>C on transcript NM_005188.4 (MANE Select); coding-DNA position 1570, T replaced by C.
Protein change: p.Ser524Pro; replaces serine 524 with proline.
Molecular consequence: missense variant.
Genome position (GRCh38, 1-based): chr11:119,285,195, T>C. VCF-style: chr11-119285195-T-C. GRCh37 (hg19) VCF-style: chr11-119155905-T-C.
Other names: short protein forms S524P.
Identifiers: ClinVar variation 4219930 (VCV004219930.1).
Genomic context (GRCh38, chr11:119,285,195, plus strand): 5'-CTTTGCTGTGTACTAGTGGGTTTTTACTGATTTGCTTTCACCCTGCTTCCACAGGCTGCT[T>C]CTGGCTCCCTTCATAAAGACAAACCATTGCCAGTACCTCCCACACTTCGAGATCTTCCAC-3'
Protein context (NP_005179.2, residues 514-534): SALGTASKAA[Ser524Pro]GSLHKDKPLP